The following is an entry in ClinVar:

NM_004594.3(SLC9A5):c.2457A>G (p.Pro819=)

Gene: SLC9A5 (solute carrier family 9 member A5; plus strand). Cytogenetic location: 16q22.1.
Variant type: single nucleotide variant.
Coding change: c.2457A>G on transcript NM_004594.3 (MANE Select); coding-DNA position 2457, A replaced by G.
Protein change: p.Pro819=; no amino-acid change (proline 819 retained).
Molecular consequence: synonymous variant. On other transcripts: 3 prime UTR variant (1), non-coding transcript variant (4).
Genome position (GRCh38, 1-based): chr16:67,270,976, A>G. VCF-style: chr16-67270976-A-G. GRCh37 (hg19) VCF-style: chr16-67304879-A-G.
Other names: c.*53A>G (NM_001323971.2); c.2154A>G, p.Pro718= (NM_001323972.2); c.2454A>G, p.Pro818= (NM_001323973.2); c.1569A>G, p.Pro523= (NM_001323974.2); c.1572A>G, p.Pro524= (NM_001323975.2).
Identifiers: ClinVar variation 2646619 (VCV002646619.24), dbSNP rs766710071, ClinGen allele CA8107319.

ClinVar aggregate classification (germline): Likely benign (1 of 4 stars; one submission).

Allele frequency attached by ClinVar (database versions not stated): TOPMed below 0.00001; gnomAD 0.00001.
gnomAD v4.1: 7 of 1,613,856 alleles (0.00043%); highest among the groups gnomAD compares: Non-Finnish European, 0.00042%; no homozygotes.

Submission:

CeGaT Center for Human Genetics Tuebingen
Classification: Likely benign. Last evaluated: 2022-03-01. Review status: criteria provided, single submitter. Criteria: CeGaT Center For Human Genetics Tuebingen Variant Classification Criteria Version 2. Collection method: clinical testing. Allele origin: germline. Affected: yes. Observed: 1 variant allele.
Comment: SLC9A5: BP4, BP7